The following is an entry in ClinVar:

ClinVar aggregate classification (germline): Uncertain significance. Review status: criteria provided, multiple submitters, no conflicts (2 of 4 stars). 2 submissions from 2 submitters: Uncertain significance (2). Last evaluated 2024-01-31.

Conditions:
Severe combined immunodeficiency due to DNA-PKcs deficiency. Also called: IMMUNODEFICIENCY 26 WITH NEUROLOGIC ABNORMALITIES; Immunodeficiency 26 with or without neurologic abnormalities. Identifiers: Orphanet 317425, MedGen C4014833, MONDO:0014423, OMIM 615966.

Allele frequency attached by ClinVar (database versions not stated): gnomAD exomes below 0.00001.
gnomAD v4.1: 3 of 1,608,482 alleles (0.00019%); highest among the groups gnomAD compares: Non-Finnish European, 0.00017%; no homozygotes.

Submissions (2):

Ambry Genetics
Classification: Uncertain significance. Last evaluated: 2024-01-31. Review status: criteria provided, single submitter. Criteria: Ambry Variant Classification Scheme 2023. Collection method: clinical testing. Allele origin: germline.
Comment: The p.C1183R variant (also known as c.3547T>C), located in coding exon 30 of the PRKDC gene, results from a T to C substitution at nucleotide position 3547. The cysteine at codon 1183 is replaced by arginine, an amino acid with highly dissimilar properties. This amino acid position is conserved. In addition, the in silico prediction for this alteration is inconclusive. Based on the available evidence, the clinical significance of this alteration remains unclear.

Labcorp Genetics (formerly Invitae), Labcorp
Classification: Uncertain significance for Severe combined immunodeficiency due to DNA-PKcs deficiency. Last evaluated: 2019-07-15. Review status: criteria provided, single submitter. Criteria: Invitae Variant Classification Sherloc (09022015). Collection method: clinical testing. Allele origin: germline.
Comment: This sequence change replaces cysteine with arginine at codon 1183 of the PRKDC protein (p.Cys1183Arg). The cysteine residue is highly conserved and there is a large physicochemical difference between cysteine and arginine. This variant is not present in population databases (ExAC no frequency). This variant has not been reported in the literature in individuals with PRKDC-related disease. Algorithms developed to predict the effect of missense changes on protein structure and function are either unavailable or do not agree on the potential impact of this missense change (SIFT: "Tolerated"; PolyPhen-2: "Probably Damaging"; Align-GVGD: "Class C0"). In summary, the available evidence is currently insufficient to determine the role of this variant in disease. Therefore, it has been classified as a Variant of Uncertain Significance.

NM_006904.7(PRKDC):c.3547T>C (p.Cys1183Arg)

Gene: PRKDC (protein kinase, DNA-activated, catalytic subunit; minus strand). Cytogenetic location: 8q11.21.
Variant type: single nucleotide variant.
Coding change: c.3547T>C on transcript NM_006904.7 (MANE Select); coding-DNA position 3547, T replaced by C.
Protein change: p.Cys1183Arg; replaces cysteine 1183 with arginine.
Molecular consequence: missense variant.
Genome position (GRCh38, 1-based): chr8:47,897,212, A>G on the plus strand (T>C on the coding strand, the complement: PRKDC is on the minus strand). VCF-style: chr8-47897212-A-G. GRCh37 (hg19) VCF-style: chr8-48809772-A-G.
Other names: c.3547T>C, p.Cys1183Arg (NM_001081640.2); short protein forms C1183R.
Identifiers: ClinVar variation 656117 (VCV000656117.10), dbSNP rs1455615092, ClinGen allele CA371153553.